The following is an entry in ClinVar:

ClinVar aggregate classification (germline): Conflicting classifications of pathogenicity. Review status: criteria provided, conflicting classifications (1 of 4 stars). 2 submissions from 2 submitters: Uncertain significance (1); Likely benign (1). Last evaluated 2026-02-01.

Conditions:
Cardiovascular phenotype. Identifiers: MedGen CN230736.
Dilated cardiomyopathy 1JJ (CMD1JJ). Identifiers: Orphanet 154, MedGen C3808935, MONDO:0014095, OMIM 615235.

Allele frequency attached by ClinVar (database versions not stated): gnomAD exomes 0.00001 and 0.00004; gnomAD 0.00006; TOPMed 0.00008; ExAC 0.00003; ESP Exome Variant Server 0.00008; 1000 Genomes Project 0.00040; 1000 Genomes Project 30x 0.00047.
gnomAD v4.1: 31 of 1,614,072 alleles (0.0019%); highest among the groups gnomAD compares: African/African-American, 0.02%; no homozygotes.

Submissions (2):

Labcorp Genetics (formerly Invitae), Labcorp
Classification: Uncertain significance for Dilated cardiomyopathy 1JJ. Last evaluated: 2026-02-01. Review status: criteria provided, single submitter. Criteria: Invitae Variant Classification Sherloc (09022015). Collection method: clinical testing. Allele origin: germline.
Comment: This sequence change replaces asparagine, which is neutral and polar, with histidine, which is basic and polar, at codon 211 of the LAMA4 protein (p.Asn211His). This variant is present in population databases (rs371848733, gnomAD 0.05%). This missense change has been observed in individual(s) with clinical features of dilated cardiomyopathy (PMID: 28416588). ClinVar contains an entry for this variant (Variation ID: 180389). Invitae Evidence Modeling of protein sequence and biophysical properties (such as structural, functional, and spatial information, amino acid conservation, physicochemical variation, residue mobility, and thermodynamic stability) indicates that this missense variant is expected to disrupt LAMA4 protein function with a positive predictive value of 80%. In summary, the available evidence is currently insufficient to determine the role of this variant in disease. Therefore, it has been classified as a Variant of Uncertain Significance.

Ambry Genetics
Classification: Likely benign for Cardiovascular phenotype. Last evaluated: 2024-07-14. Review status: criteria provided, single submitter. Criteria: Ambry Variant Classification Scheme 2023. Collection method: clinical testing. Allele origin: germline.

Literature cited by the submitters: PubMed 28416588 (cited by Labcorp Genetics (formerly Invitae), Labcorp and Ambry Genetics).

NM_001105206.3(LAMA4):c.631A>C (p.Asn211His)

Gene: LAMA4 (laminin subunit alpha 4; minus strand). Cytogenetic location: 6q21.
Variant type: single nucleotide variant.
Coding change: c.631A>C on transcript NM_001105206.3 (MANE Select); coding-DNA position 631, A replaced by C.
Protein change: p.Asn211His; replaces asparagine 211 with histidine.
Molecular consequence: missense variant.
Genome position (GRCh38, 1-based): chr6:112,191,723, T>G on the plus strand (A>C on the coding strand, the complement: LAMA4 is on the minus strand). VCF-style: chr6-112191723-T-G. GRCh37 (hg19) VCF-style: chr6-112512925-T-G.
Other names: c.631A>C, p.Asn211His (NM_001105207.3, NM_002290.5); short protein forms N211H.
Identifiers: ClinVar variation 180389 (VCV000180389.12), dbSNP rs371848733, ClinGen allele CA346400.